The following is an entry in ClinVar:

NM_006514.4(SCN10A):c.506T>C (p.Leu169Ser)

Gene: SCN10A (sodium voltage-gated channel alpha subunit 10; minus strand). Cytogenetic location: 3p22.2.
Variant type: single nucleotide variant.
Coding change: c.506T>C on transcript NM_006514.4 (MANE Select); coding-DNA position 506, T replaced by C.
Protein change: p.Leu169Ser; replaces leucine 169 with serine.
Molecular consequence: missense variant.
Genome position (GRCh38, 1-based): chr3:38,771,372, A>G on the plus strand (T>C on the coding strand, the complement: SCN10A is on the minus strand). VCF-style: chr3-38771372-A-G. GRCh37 (hg19) VCF-style: chr3-38812863-A-G.
Other names: c.506T>C, p.Leu169Ser (NM_001293306.2, NM_001293307.2); short protein forms L169S.
Identifiers: ClinVar variation 1745153 (VCV001745153.2), dbSNP rs2470838182, ClinGen allele CA352156428.

ClinVar aggregate classification (germline): Uncertain significance (1 of 4 stars; one submission).

Conditions:
Cardiovascular phenotype. Identifiers: MedGen CN230736.

Allele frequency attached by ClinVar (database versions not stated): gnomAD exomes below 0.00001.
gnomAD v4.1: 1 of 1,614,126 alleles (0.000062%); highest among the groups gnomAD compares: Non-Finnish European, 0.000085%; no homozygotes.

Submission:

Ambry Genetics
Classification: Uncertain significance for Cardiovascular phenotype. Last evaluated: 2022-07-06. Review status: criteria provided, single submitter. Criteria: Ambry Variant Classification Scheme 2023. Collection method: clinical testing. Allele origin: germline.
Comment: The p.L169S variant (also known as c.506T>C), located in coding exon 4 of the SCN10A gene, results from a T to C substitution at nucleotide position 506. The leucine at codon 169 is replaced by serine, an amino acid with dissimilar properties. This amino acid position is conserved. In addition, the in silico prediction for this alteration is inconclusive. Since supporting evidence is limited at this time, the clinical significance of this alteration remains unclear.